The following is an entry in ClinVar:

NM_001146079.2(CLDN14):c.286G>T (p.Ala96Ser)

Genes: CLDN14 (claudin 14; minus strand), CLDN14-AS1 (CLDN14 antisense RNA 1; plus strand). Cytogenetic location: 21q22.13.
Variant type: single nucleotide variant.
Coding change: c.286G>T on transcript NM_001146079.2 (MANE Select); coding-DNA position 286, G replaced by T.
Protein change: p.Ala96Ser; replaces alanine 96 with serine.
Molecular consequence: missense variant.
Genome position (GRCh38, 1-based): chr21:36,461,410, C>A on the plus strand (G>T on the coding strand, the complement: CLDN14 is on the minus strand). VCF-style: chr21-36461410-C-A. GRCh37 (hg19) VCF-style: chr21-37833708-C-A.
Other names: c.286G>T, p.Ala96Ser (NM_001146077.2, NM_001146078.3, NM_012130.4 and 1 more transcripts); short protein forms A96S.
Identifiers: ClinVar variation 4532408 (VCV004532408.1).

ClinVar aggregate classification (germline): Uncertain significance (1 of 4 stars; one submission).

gnomAD v4.1: 1 of 1,613,172 alleles (0.000062%); highest among the groups gnomAD compares: African/African-American, 0.0013%; no homozygotes.

Submission:

GeneDx
Classification: Uncertain significance. Last evaluated: 2025-05-28. Review status: criteria provided, single submitter. Criteria: GeneDx Variant Classification Process June 2021. Collection method: clinical testing. Allele origin: germline. Affected: yes.
Comment: Not observed at significant frequency in large population cohorts (gnomAD); In silico analysis suggests that this missense variant does not alter protein structure/function; Has not been previously published as pathogenic or benign to our knowledge